The following is an entry in ClinVar:

NM_000492.4(CFTR):c.1679+1G>C

Genes: CFTR (CF transmembrane conductance regulator; plus strand), LOC111674475 (CFTR intron 11 enhancer; plus strand). Cytogenetic location: 7q31.2.
Variant type: single nucleotide variant.
Coding change: c.1679+1G>C on transcript NM_000492.4 (MANE Select); the canonical splice donor site of the intron after coding-DNA position 1679, G replaced by C.
Molecular consequence: splice donor variant.
Genome position (GRCh38, 1-based): chr7:117,587,834, G>C. VCF-style: chr7-117587834-G-C. GRCh37 (hg19) VCF-style: chr7-117227888-G-C.
Other names: 1811+1G->C.
Identifiers: ClinVar variation 53335 (VCV000053335.14), dbSNP rs397508263, ClinGen allele CA326601.

ClinVar aggregate classification (germline): Pathogenic. Review status: reviewed by expert panel (3 of 4 stars). 7 submissions from 7 submitters: Pathogenic (1). 6 of the submissions do not count toward it. Last evaluated 2017-03-17.

Conditions:
CFTR-related disorder (CFTR-RD). Also called: CFTR-related condition; CFTR-related disorders. Identifiers: MedGen C5924204, MONDO:7770004.
Cystic fibrosis diagnostic test.
Cystic fibrosis (CF). Also called: MUCOVISCIDOSIS. Identifiers: Orphanet 586, MedGen C0010674, MONDO:0009061, OMIM 219700. Disease mechanism: loss of function.

gnomAD v4.1: 9 of 1,551,664 alleles (0.00058%); highest among the groups gnomAD compares: Non-Finnish European, 0.0008%; no homozygotes.

Submissions (7):

CFTR2
Classification: Pathogenic for Cystic fibrosis. Last evaluated: 2017-03-17. Review status: reviewed by expert panel. Criteria: Sosnay PR et al. (Nat Genet 2013). Collection method: research. Allele origin: germline. Affected: yes. Study: CFTR2.

NHS Central & South Genomic Laboratory Hub
Classification: Pathogenic for Cystic fibrosis diagnostic test. Last evaluated: 2026-04-22. Review status: criteria provided, single submitter. Criteria: ACMG Guidelines, 2015. Collection method: clinical testing. Allele origin: germline. Affected: yes. Not counted in ClinVar's aggregate classification.

ARUP Laboratories, Molecular Genetics and Genomics, ARUP Laboratories
Classification: Pathogenic for Cystic fibrosis. Last evaluated: 2025-05-14. Review status: criteria provided, single submitter. Criteria: ARUP Molecular Germline Variant Investigation Process 2024. Collection method: clinical testing. Allele origin: germline. Not counted in ClinVar's aggregate classification.
Comment: The CFTR c.1679+1G>C variant (rs397508263, ClinVar Variation ID: 53335), also known as c.1811+1G>C in traditional nomenclature, is reported in the literature in individuals with cystic fibrosis, and is often associated with pancreatic insufficiency (CFTR2 database, Dujardin 2011, Petreska 1996, Terzic 2019). This variant is absent from the Genome Aggregation Database (v2.1.1), indicating it is not a common polymorphism. This variant disrupts the canonical splice donor site of intron 12, which is likely to negatively impact gene function. Additionally, a minigene assay using HeLa cells found this variant impacted mRNA products (Dujardin 2011). Based on available information, this variant is considered to be pathogenic. References: CFTR2 database: Dujardin G et al. Splicing defects in the CFTR gene: minigene analysis of two mutations, 1811+1G>C and 1898+3A>G. J Cyst Fibros. 2011 May;10(3):212-6. PMID: 21317048. Petreska L et al. A donor splice site mutation (1811 + 1G-->C) in intron 11 of the CFTR gene identified in a patient of Macedonian origin. Hum Mutat. 1996;7(4):375. PMID: 8723694. Terzic M et al. Cystic Fibrosis Mutation Spectrum in North Macedonia: A Step Toward Personalized Therapy. Balkan J Med Genet. 2019 Aug 28;22(1):35-40. PMID: 31523618.

Natera, Inc.
Classification: Pathogenic for CFTR-related disorders. Last evaluated: 2025-01-28. Review status: criteria provided, single submitter. Criteria: Natera Variant Classification Schema (03/2026). Collection method: clinical testing. Allele origin: germline. Not counted in ClinVar's aggregate classification.
Comment: The c.1679+1G>C variant in CFTR is a canonical splice donor site variant predicted to affect pre-mRNA splicing, which may result in an abnormal transcript and altered protein product. This variant is expected to result in nonsense mediated decay, truncation, or a dysfunctional protein product. This variant is rare in the general population with a frequency below the threshold expected for the associated phenotype(s). This variant has been observed in one or more individuals affected with the associated recessive disease, as either homozygous or compound heterozygous with a second variant (PMID: 19419506). Given the available evidence, this variant is classified as Pathogenic.

Labcorp Genetics (formerly Invitae), Labcorp
Classification: Pathogenic for Cystic fibrosis. Last evaluated: 2023-06-04. Review status: criteria provided, single submitter. Criteria: Invitae Variant Classification Sherloc (09022015). Collection method: clinical testing. Allele origin: germline. Not counted in ClinVar's aggregate classification.
Comment: For these reasons, this variant has been classified as Pathogenic. Studies have shown that disruption of this splice site is associated with altered splicing resulting in multiple RNA products (PMID: 21317048). ClinVar contains an entry for this variant (Variation ID: 53335). This variant is also known as 1811+1 G>C. Disruption of this splice site has been observed in individuals with cystic fibrosis (PMID: 8723694, 15858154, 31523618). This variant is not present in population databases (gnomAD no frequency). This sequence change affects a donor splice site in intron 12 of the CFTR gene. It is expected to disrupt RNA splicing. Variants that disrupt the donor or acceptor splice site typically lead to a loss of protein function (PMID: 16199547), and loss-of-function variants in CFTR are known to be pathogenic (PMID: 1695717, 7691345, 9725922).

Blueprint Genetics
Classification: Pathogenic for CFTR-related disorders. Last evaluated: 2023-01-30. Review status: criteria provided, single submitter. Criteria: ACMG Guidelines, 2015. Collection method: clinical testing. Allele origin: germline. Affected: yes. Observed: 1 variant allele. Not counted in ClinVar's aggregate classification.

CFTR-France
Classification: Pathogenic for cystic fibrosis. Last evaluated: 2018-01-29. Review status: criteria provided, single submitter. Criteria: Claustres M et al. (Hum Mutat 2017). Collection method: curation. Allele origin: germline. Affected: yes. Not counted in ClinVar's aggregate classification.

Literature cited by the submitters: PubMed 19419506 (cited by Natera, Inc.); PubMed 21317048 (cited by Labcorp Genetics (formerly Invitae), Labcorp); PubMed 8723694 (cited by Labcorp Genetics (formerly Invitae), Labcorp); PubMed 15858154 (cited by Labcorp Genetics (formerly Invitae), Labcorp); PubMed 31523618 (cited by Labcorp Genetics (formerly Invitae), Labcorp); PubMed 16199547 (cited by Labcorp Genetics (formerly Invitae), Labcorp); PubMed 1695717 (cited by Labcorp Genetics (formerly Invitae), Labcorp); PubMed 7691345 (cited by Labcorp Genetics (formerly Invitae), Labcorp); PubMed 9725922 (cited by Labcorp Genetics (formerly Invitae), Labcorp).